The following is an entry in ClinVar:

NM_001042424.3(NSD2):c.2113T>A (p.Phe705Ile)

Gene: NSD2 (nuclear receptor binding SET domain protein 2; plus strand). Cytogenetic location: 4p16.3.
Variant type: single nucleotide variant.
Coding change: c.2113T>A on transcript NM_001042424.3 (MANE Select); coding-DNA position 2113, T replaced by A.
Protein change: p.Phe705Ile; replaces phenylalanine 705 with isoleucine.
Molecular consequence: missense variant.
Genome position (GRCh38, 1-based): chr4:1,952,207, T>A. VCF-style: chr4-1952207-T-A. GRCh37 (hg19) VCF-style: chr4-1953934-T-A.
Other names: c.2113T>A, p.Phe705Ile (NM_001440892.1, NM_001440894.1, NM_001440895.1 and 4 more transcripts); c.2212T>A, p.Phe738Ile (NM_001440893.1); c.1906T>A, p.Phe636Ile (NM_001440897.1, NM_001440898.1); c.1144T>A, p.Phe382Ile (NM_001440899.1, NM_001440900.1); short protein forms F636I, F382I, F705I, F738I.
Identifiers: ClinVar variation 4744396 (VCV004744396.1).
Genomic context (GRCh38, chr4:1,952,207, plus strand): 5'-CCCTGCTGCGGAGCTTTCCACCTCGCCTGCCTTGGGCTTTCCCGGAGGCCAGAAGGGAGG[T>A]TCACCTGCAGCGAGTGTGCCTCAGGCAAGTTCCCACGGGCGGGCAGCTCTGCAGCCTGGC-3'
Protein context (NP_001035889.1, residues 695-715): LGLSRRPEGR[Phe705Ile]TCSECASGIH

ClinVar aggregate classification (germline): Uncertain significance (1 of 4 stars; one submission).

Submission:

Labcorp Genetics (formerly Invitae), Labcorp
Classification: Uncertain significance. Last evaluated: 2025-09-14. Review status: criteria provided, single submitter. Criteria: Invitae Variant Classification Sherloc (09022015). Collection method: clinical testing. Allele origin: germline.
Comment: This sequence change replaces phenylalanine, which is neutral and non-polar, with isoleucine, which is neutral and non-polar, at codon 705 of the WHSC1 protein (p.Phe705Ile). This variant is not present in population databases (gnomAD no frequency). This variant has not been reported in the literature in individuals affected with WHSC1-related conditions. Invitae Evidence Modeling of protein sequence and biophysical properties (such as structural, functional, and spatial information, amino acid conservation, physicochemical variation, residue mobility, and thermodynamic stability) indicates that this missense variant is not expected to disrupt WHSC1 protein function with a negative predictive value of 80%. In summary, the available evidence is currently insufficient to determine the role of this variant in disease. Therefore, it has been classified as a Variant of Uncertain Significance.